The following is an entry in ClinVar:

NM_000843.4(GRM6):c.1401C>T (p.Pro467=)

Genes: GRM6 (glutamate metabotropic receptor 6; minus strand), ZNF454 (zinc finger protein 454; plus strand). Cytogenetic location: 5q35.3.
Variant type: single nucleotide variant.
Coding change: c.1401C>T on transcript NM_000843.4 (MANE Select); coding-DNA position 1401, C replaced by T.
Protein change: p.Pro467=; no amino-acid change (proline 467 retained).
Molecular consequence: synonymous variant.
Genome position (GRCh38, 1-based): chr5:178,986,937, G>A on the plus strand (C>T on the coding strand, the complement: GRM6 is on the minus strand). VCF-style: chr5-178986937-G-A. GRCh37 (hg19) VCF-style: chr5-178413938-G-A.
Other names: c.1401C>T (NM_000843.3).
Identifiers: ClinVar variation 1090075 (VCV001090075.12), dbSNP rs368927032, ClinGen allele CA3594061.

ClinVar aggregate classification (germline): Likely benign. Review status: criteria provided, multiple submitters, no conflicts (2 of 4 stars). 3 submissions from 3 submitters: Likely benign (2). 1 of the submissions does not count toward it. Last evaluated 2025-12-03.

Conditions:
GRM6-related disorder. Also called: GRM6-related condition.

Allele frequency attached by ClinVar (database versions not stated): TOPMed 0.00007; ESP Exome Variant Server 0.00008; gnomAD 0.00008; ExAC 0.00014; gnomAD exomes 0.00016.
gnomAD v4.1: 245 of 1,614,050 alleles (0.015%); highest among the groups gnomAD compares: South Asian, 0.057%; 3 homozygotes.

Submissions (3):

Labcorp Genetics (formerly Invitae), Labcorp
Classification: Likely benign. Last evaluated: 2025-12-03. Review status: criteria provided, single submitter. Criteria: Invitae Variant Classification Sherloc (09022015). Collection method: clinical testing. Allele origin: germline.

Blueprint Genetics
Classification: Likely benign. Last evaluated: 2024-09-18. Review status: criteria provided, single submitter. Criteria: ACMG Guidelines, 2015. Collection method: clinical testing. Allele origin: germline.

PreventionGenetics, part of Exact Sciences
Classification: Likely benign for GRM6-related condition. Last evaluated: 2019-08-01. Review status: no assertion criteria provided. Collection method: clinical testing. Allele origin: germline. Not counted in ClinVar's aggregate classification.
Comment: This variant is classified as likely benign based on ACMG/AMP sequence variant interpretation guidelines (Richards et al. 2015 PMID: 25741868, with internal and published modifications).